The following is an entry in ClinVar:

ClinVar aggregate classification (germline): Uncertain significance (1 of 4 stars; one submission).

gnomAD v4.1: 4 of 1,612,646 alleles (0.00025%); highest among the groups gnomAD compares: Admixed American, 0.0017%; no homozygotes.

Submission:

Labcorp Genetics (formerly Invitae), Labcorp
Classification: Uncertain significance. Last evaluated: 2023-04-22. Review status: criteria provided, single submitter. Criteria: Invitae Variant Classification Sherloc (09022015). Collection method: clinical testing. Allele origin: germline.
Comment: This variant is present in population databases (rs769676574, gnomAD 0.003%). In summary, the available evidence is currently insufficient to determine the role of this variant in disease. Therefore, it has been classified as a Variant of Uncertain Significance. An algorithm developed to predict the effect of missense changes on protein structure and function (PolyPhen-2) suggests that this variant is likely to be tolerated. This variant has not been reported in the literature in individuals affected with PRPF8-related conditions. This sequence change replaces proline, which is neutral and non-polar, with leucine, which is neutral and non-polar, at codon 20 of the PRPF8 protein (p.Pro20Leu).

NM_006445.4(PRPF8):c.59C>T (p.Pro20Leu)

Gene: PRPF8 (pre-mRNA processing factor 8; minus strand). Cytogenetic location: 17p13.3.
Variant type: single nucleotide variant.
Coding change: c.59C>T on transcript NM_006445.4 (MANE Select); coding-DNA position 59, C replaced by T.
Protein change: p.Pro20Leu; replaces proline 20 with leucine.
Molecular consequence: missense variant.
Genome position (GRCh38, 1-based): chr17:1,684,513, G>A on the plus strand (C>T on the coding strand, the complement: PRPF8 is on the minus strand). VCF-style: chr17-1684513-G-A. GRCh37 (hg19) VCF-style: chr17-1587807-G-A.
Other names: short protein forms P20L.
Identifiers: ClinVar variation 3001810 (VCV003001810.3), dbSNP rs769676574, ClinGen allele CA8272753.